The following is an entry in ClinVar:

NM_001909.5(CTSD):c.493T>A (p.Ser165Thr)

Gene: CTSD (cathepsin D; minus strand). Cytogenetic location: 11p15.5.
Variant type: single nucleotide variant.
Coding change: c.493T>A on transcript NM_001909.5 (MANE Select); coding-DNA position 493, T replaced by A.
Protein change: p.Ser165Thr; replaces serine 165 with threonine.
Molecular consequence: missense variant.
Genome position (GRCh38, 1-based): chr11:1,757,535, A>T on the plus strand (T>A on the coding strand, the complement: CTSD is on the minus strand). VCF-style: chr11-1757535-A-T. GRCh37 (hg19) VCF-style: chr11-1778765-A-T.
Other names: short protein forms S165T.
Identifiers: ClinVar variation 1714343 (VCV001714343.3), dbSNP rs2493823779, ClinGen allele CA379096262.

ClinVar aggregate classification (germline): Uncertain significance (1 of 4 stars; one submission).

Conditions:
Neuronal ceroid lipofuscinosis. Also called: Neuronal Ceroid Lipofuscinoses. Identifiers: Orphanet 216, Orphanet 79263, MedGen C0027877, MONDO:0016295. Disease mechanism: loss of function.

Submission:

Labcorp Genetics (formerly Invitae), Labcorp
Classification: Uncertain significance for Neuronal ceroid lipofuscinosis. Last evaluated: 2022-07-30. Review status: criteria provided, single submitter. Criteria: Invitae Variant Classification Sherloc (09022015). Collection method: clinical testing. Allele origin: germline.
Comment: This sequence change replaces serine, which is neutral and polar, with threonine, which is neutral and polar, at codon 165 of the CTSD protein (p.Ser165Thr). This variant is not present in population databases (gnomAD no frequency). This variant has not been reported in the literature in individuals affected with CTSD-related conditions. Algorithms developed to predict the effect of missense changes on protein structure and function are either unavailable or do not agree on the potential impact of this missense change (SIFT: "Deleterious"; PolyPhen-2: "Benign"; Align-GVGD: "Class C0"). In summary, the available evidence is currently insufficient to determine the role of this variant in disease. Therefore, it has been classified as a Variant of Uncertain Significance.